The following is an entry in ClinVar:

NM_174936.4(PCSK9):c.109G>A (p.Asp37Asn)

Gene: PCSK9 (proprotein convertase subtilisin/kexin type 9; plus strand). Cytogenetic location: 1p32.3.
Variant type: single nucleotide variant.
Coding change: c.109G>A on transcript NM_174936.4 (MANE Select); coding-DNA position 109, G replaced by A.
Protein change: p.Asp37Asn; replaces aspartic acid 37 with asparagine.
Molecular consequence: missense variant. On other transcripts: 5 prime UTR variant (1), non-coding transcript variant (8).
Genome position (GRCh38, 1-based): chr1:55,039,946, G>A. VCF-style: chr1-55039946-G-A. GRCh37 (hg19) VCF-style: chr1-55505619-G-A.
Other names: c.109G>A, p.Asp37Asn (NM_001407240.1, NM_001407241.1, NM_001407242.1 and 4 more transcripts); c.-626G>A (NM_001407246.1); short protein forms D37N.
Identifiers: ClinVar variation 4702562 (VCV004702562.1).

ClinVar aggregate classification (germline): Uncertain significance (1 of 4 stars; one submission).

Conditions:
Hypercholesterolemia, autosomal dominant, 3 (FHCL3). Also called: PCSK9-Related Familial Hypercholesterolemia, Autosomal Dominant; Familial Hypercholesterolemia, Autosomal Dominant, 3; Familial hypercholesterolemia 3. Identifiers: MedGen C1863551, MONDO:0011369, OMIM 603776.

Submission:

Labcorp Genetics (formerly Invitae), Labcorp
Classification: Uncertain significance for Hypercholesterolemia, autosomal dominant, 3. Last evaluated: 2025-09-13. Review status: criteria provided, single submitter. Criteria: Invitae Variant Classification Sherloc (09022015). Collection method: clinical testing. Allele origin: germline.
Comment: This sequence change replaces aspartic acid, which is acidic and polar, with asparagine, which is neutral and polar, at codon 37 of the PCSK9 protein (p.Asp37Asn). This variant is not present in population databases (gnomAD no frequency). This variant has not been reported in the literature in individuals affected with PCSK9-related conditions. Invitae Evidence Modeling of protein sequence and biophysical properties (such as structural, functional, and spatial information, amino acid conservation, physicochemical variation, residue mobility, and thermodynamic stability) indicates that this missense variant is not expected to disrupt PCSK9 protein function with a negative predictive value of 95%. In summary, the available evidence is currently insufficient to determine the role of this variant in disease. Therefore, it has been classified as a Variant of Uncertain Significance.